The following is an entry in ClinVar:

ClinVar aggregate classification (germline): Likely benign. Review status: criteria provided, multiple submitters, no conflicts (2 of 4 stars). 6 submissions from 6 submitters: Likely benign (4). 2 of the submissions do not count toward it. Last evaluated 2025-12-17.

Conditions:
Cardiovascular phenotype. Identifiers: MedGen CN230736.

gnomAD v4.1: 29 of 1,614,018 alleles (0.0018%); highest among the groups gnomAD compares: Middle Eastern, 0.066%; no homozygotes.

Submissions (6):

Labcorp Genetics (formerly Invitae), Labcorp
Classification: Likely benign. Last evaluated: 2025-12-17. Review status: criteria provided, single submitter. Criteria: Invitae Variant Classification Sherloc (09022015). Collection method: clinical testing. Allele origin: germline.

Ambry Genetics
Classification: Likely benign for Cardiovascular phenotype. Last evaluated: 2024-05-11. Review status: criteria provided, single submitter. Criteria: Ambry Variant Classification Scheme 2023. Collection method: clinical testing. Allele origin: germline.

CeGaT Center for Human Genetics Tuebingen
Classification: Likely benign. Last evaluated: 2024-05-01. Review status: criteria provided, single submitter. Criteria: CeGaT Center For Human Genetics Tuebingen Variant Classification Criteria Version 2. Collection method: clinical testing. Allele origin: germline. Affected: yes. Observed: 1 variant allele.
Comment: ABCA1: BP4, BP7

Breakthrough Genomics
Classification: Likely benign. Review status: criteria provided, single submitter. Criteria: ACMG Guidelines, 2015. Collection method: not provided. Allele origin: germline. Inheritance: Autosomal recessive inheritance. Affected: yes.

Clinical Genetics DNA and cytogenetics Diagnostics Lab, Erasmus MC, Erasmus Medical Center
Classification: Likely benign. Review status: no assertion criteria provided. Collection method: clinical testing. Allele origin: germline. Affected: yes. Study: VKGL Data-share Consensus. Not counted in ClinVar's aggregate classification.

Clinical Genetics, Academic Medical Center
Classification: Likely benign. Review status: no assertion criteria provided. Collection method: clinical testing. Allele origin: germline. Affected: yes. Study: VKGL Data-share Consensus. Not counted in ClinVar's aggregate classification.

NM_005502.4(ABCA1):c.4536G>A (p.Thr1512=)

Gene: ABCA1 (ATP binding cassette subfamily A member 1; minus strand). Cytogenetic location: 9q31.1.
Variant type: single nucleotide variant.
Coding change: c.4536G>A on transcript NM_005502.4 (MANE Select); coding-DNA position 4536, G replaced by A.
Protein change: p.Thr1512=; no amino-acid change (threonine 1512 retained).
Molecular consequence: synonymous variant.
Genome position (GRCh38, 1-based): chr9:104,804,649, C>T on the plus strand (G>A on the coding strand, the complement: ABCA1 is on the minus strand). VCF-style: chr9-104804649-C-T. GRCh37 (hg19) VCF-style: chr9-107566930-C-T.
Other names: c.4536G>A (NM_005502.3).
Identifiers: ClinVar variation 1328062 (VCV001328062.24), dbSNP rs41277763, ClinGen allele CA5168120.